The following is an entry in ClinVar:

ClinVar aggregate classification (germline): Uncertain significance (1 of 4 stars; one submission).

gnomAD v4.1: 11 of 1,596,036 alleles (0.00069%); highest among the groups gnomAD compares: Non-Finnish European, 0.00093%; no homozygotes.

Submission:

Mayo Clinic Laboratories, Mayo Clinic
Classification: Uncertain significance. Last evaluated: 2024-07-08. Review status: criteria provided, single submitter. Criteria: ACMG Guidelines, 2015. Collection method: clinical testing. Allele origin: germline. Observed: 1 variant allele.
Comment: BP4, PM2

NM_015175.3(NBEAL2):c.919A>C (p.Met307Leu)

Gene: NBEAL2 (neurobeachin like 2; plus strand). Cytogenetic location: 3p21.31.
Variant type: single nucleotide variant.
Coding change: c.919A>C on transcript NM_015175.3 (MANE Select); coding-DNA position 919, A replaced by C.
Protein change: p.Met307Leu; replaces methionine 307 with leucine.
Molecular consequence: missense variant.
Genome position (GRCh38, 1-based): chr3:46,991,682, A>C. VCF-style: chr3-46991682-A-C. GRCh37 (hg19) VCF-style: chr3-47033172-A-C.
Other names: p.Met307Leu; c.898A>C, p.Met300Leu (NM_001365116.2); short protein forms M300L, M307L.
Identifiers: ClinVar variation 3379454 (VCV003379454.1).
Genomic context (GRCh38, chr3:46,991,682, plus strand): 5'-GACTGGCCAGCTGGTCTGAGCTCAGGCCCCGAAGAGGCCCTTGTCACCCTCCGGGTCAGC[A>C]TGCTCGGTGGGTATGGGCTCCCAGGCTCTTGGGGAAGGGGCACCATGAGGGAAAAGCCTA-3'
Protein context (NP_055990.1, residues 297-317): EEALVTLRVS[Met307Leu]LDAIPMMLAC